The following is an entry in ClinVar:

NM_000704.3(ATP4A):c.1858G>A (p.Ala620Thr)

Gene: ATP4A (ATPase H+/K+ transporting subunit alpha; minus strand). Cytogenetic location: 19q13.12.
Variant type: single nucleotide variant.
Coding change: c.1858G>A on transcript NM_000704.3 (MANE Select); coding-DNA position 1858, G replaced by A.
Protein change: p.Ala620Thr; replaces alanine 620 with threonine.
Molecular consequence: missense variant.
Genome position (GRCh38, 1-based): chr19:35,556,924, C>T on the plus strand (G>A on the coding strand, the complement: ATP4A is on the minus strand). VCF-style: chr19-35556924-C-T. GRCh37 (hg19) VCF-style: chr19-36047826-C-T.
Other names: short protein forms A620T.
Identifiers: ClinVar variation 3615087 (VCV003615087.2).

ClinVar aggregate classification (germline): Uncertain significance (1 of 4 stars; one submission).

gnomAD v4.1: 17 of 1,613,760 alleles (0.0011%); highest among the groups gnomAD compares: East Asian, 0.0022%; no homozygotes.

Submission:

Labcorp Genetics (formerly Invitae), Labcorp
Classification: Uncertain significance. Last evaluated: 2024-06-30. Review status: criteria provided, single submitter. Criteria: Invitae Variant Classification Sherloc (09022015). Collection method: clinical testing. Allele origin: germline.
Comment: This sequence change replaces alanine, which is neutral and non-polar, with threonine, which is neutral and polar, at codon 620 of the ATP4A protein (p.Ala620Thr). This variant is present in population databases (rs749521580, gnomAD 0.006%). This variant has not been reported in the literature in individuals affected with ATP4A-related conditions. Advanced modeling of protein sequence and biophysical properties (such as structural, functional, and spatial information, amino acid conservation, physicochemical variation, residue mobility, and thermodynamic stability) performed at Invitae indicates that this missense variant is expected to disrupt ATP4A protein function with a positive predictive value of 80%. In summary, the available evidence is currently insufficient to determine the role of this variant in disease. Therefore, it has been classified as a Variant of Uncertain Significance.